The following is an entry in ClinVar:

ClinVar aggregate classification (germline): Likely benign. Review status: criteria provided, multiple submitters, no conflicts (2 of 4 stars). 4 submissions from 4 submitters: Likely benign (4). Last evaluated 2026-01-22.

Conditions:
Wilson disease (WND). Also called: Wilson's disease. Identifiers: Orphanet 905, MedGen C0019202, MONDO:0010200, OMIM 277900. Disease mechanism: loss of function.

Allele frequency attached by ClinVar (database versions not stated): gnomAD 0.00002 and 0.00003; ExAC 0.00004; TOPMed 0.00005; gnomAD exomes 0.00007; 1000 Genomes Project 0.00040; 1000 Genomes Project 30x 0.00047.
gnomAD v4.1: 42 of 1,611,194 alleles (0.0026%); highest among the groups gnomAD compares: East Asian, 0.069%; no homozygotes.

Submissions (4):

Labcorp Genetics (formerly Invitae), Labcorp
Classification: Likely benign for Wilson disease. Last evaluated: 2026-01-22. Review status: criteria provided, single submitter. Criteria: Invitae Variant Classification Sherloc (09022015). Collection method: clinical testing. Allele origin: germline.

ARUP Laboratories, Molecular Genetics and Genomics, ARUP Laboratories
Classification: Likely benign for Wilson disease. Last evaluated: 2025-05-15. Review status: criteria provided, single submitter. Criteria: ARUP Molecular Germline Variant Investigation Process 2024. Collection method: clinical testing. Allele origin: germline.

Women's Health and Genetics/Laboratory Corporation of America, LabCorp
Classification: Likely benign. Last evaluated: 2024-12-16. Review status: criteria provided, single submitter. Criteria: LabCorp Variant Classification Summary - May 2015. Collection method: clinical testing. Allele origin: germline.
Comment: Variant summary: ATP7B c.1869+20A>G alters a non-conserved nucleotide located at a position not widely known to affect splicing. Consensus agreement among computation tools predict no significant impact on normal splicing. However, these predictions have yet to be confirmed by functional studies. The variant allele was found at a frequency of 7.2e-05 in 249236 control chromosomes. This frequency is not significantly higher than estimated for a pathogenic variant in ATP7B causing Wilson Disease (7.2e-05 vs 0.0054), allowing no conclusion about variant significance. c.1869+20A>G has been reported in the literature in individuals affected with Wilson Disease, without strong evidence for causality (Wang_2023). These report(s) do not provide unequivocal conclusions about association of the variant with Wilson Disease. To our knowledge, no experimental evidence demonstrating an impact on protein function has been reported. ClinVar contains an entry for this variant (Variation ID: 633072). Based on the evidence outlined above, the variant was classified as likely benign.

GeneDx
Classification: Likely benign. Last evaluated: 2018-06-28. Review status: criteria provided, single submitter. Criteria: GeneDx Variant Classification Process June 2021. Collection method: clinical testing. Allele origin: germline. Affected: yes.
Comment: See Variant Classification Assertion Criteria.

Literature cited by the submitters: PubMed 37020998 (cited by Women's Health and Genetics/Laboratory Corporation of America, LabCorp).

NM_000053.4(ATP7B):c.1869+20A>G

Gene: ATP7B (ATPase copper transporting beta; minus strand). Cytogenetic location: 13q14.3.
Variant type: single nucleotide variant.
Coding change: c.1869+20A>G on transcript NM_000053.4 (MANE Select); 20 bases into the intron after coding-DNA position 1869, A replaced by G.
Molecular consequence: intron variant.
Genome position (GRCh38, 1-based): chr13:51,964,852, T>C on the plus strand (A>G on the coding strand, the complement: ATP7B is on the minus strand). VCF-style: chr13-51964852-T-C. GRCh37 (hg19) VCF-style: chr13-52538988-T-C.
Other names: c.1536+20A>G (NM_001243182.2); c.1869+20A>G (NM_001005918.3, NM_001330579.2, NM_001330578.2).
Identifiers: ClinVar variation 633072 (VCV000633072.12), dbSNP rs566255910, ClinGen allele CA6989207.